The following is an entry in ClinVar:

NM_024675.4(PALB2):c.1314dup (p.Gly439fs)

Gene: PALB2 (partner and localizer of BRCA2; minus strand). Cytogenetic location: 16p12.2.
Variant type: Duplication.
Coding change: c.1314dup on transcript NM_024675.4 (MANE Select); coding-DNA position 1314, one base duplicated (A; older notation c.1314dupA).
Protein change: p.Gly439fs; shifts the reading frame from glycine 439.
Molecular consequence: frameshift variant.
Genome position (GRCh38, 1-based): chr16:23,635,232, T duplicated on the plus strand (A on the coding strand, the reverse complement: PALB2 is on the minus strand); the first of 6 consecutive T bases (chr16:23,635,232-23,635,237); duplicating any one gives the same sequence. VCF-style (leftmost placement, unchanged base first): chr16-23635231-C-CT. GRCh37 (hg19) VCF-style: chr16-23646552-C-CT.
Other names: short protein forms G439fs.
Identifiers: ClinVar variation 1389107 (VCV001389107.7), dbSNP rs515726065, ClinGen allele CA2573152181.

ClinVar aggregate classification (germline): Pathogenic (1 of 4 stars; one submission).

Conditions:
Familial cancer of breast. Also called: BREAST CANCER, FAMILIAL; Hereditary breast cancer; hereditary breast carcinoma. Identifiers: Orphanet 227535, MedGen C0346153, MONDO:0016419, OMIM 114480. Disease mechanism: loss of function.

Submission:

Labcorp Genetics (formerly Invitae), Labcorp
Classification: Pathogenic for Familial cancer of breast. Last evaluated: 2021-10-03. Review status: criteria provided, single submitter. Criteria: Invitae Variant Classification Sherloc (09022015). Collection method: clinical testing. Allele origin: germline.
Comment: For these reasons, this variant has been classified as Pathogenic. This variant has not been reported in the literature in individuals affected with PALB2-related conditions. This variant is not present in population databases (ExAC no frequency). This sequence change creates a premature translational stop signal (p.Gly439Argfs*3) in the PALB2 gene. It is expected to result in an absent or disrupted protein product. Loss-of-function variants in PALB2 are known to be pathogenic (PMID: 17200668, 17200671, 17200672, 24136930, 25099575).

Literature cited by the submitters: PubMed 17200668; PubMed 17200671; PubMed 17200672; PubMed 24136930; PubMed 25099575.